The following is an entry in ClinVar:

NM_000217.3(KCNA1):c.*2734G>A

Gene: KCNA1 (potassium voltage-gated channel subfamily A member 1; plus strand). Cytogenetic location: 12p13.32.
Variant type: single nucleotide variant.
Coding change: c.*2734G>A on transcript NM_000217.3 (MANE Select); 2734 bases downstream of the stop codon, G replaced by A.
Molecular consequence: 3 prime UTR variant.
Genome position (GRCh38, 1-based): chr12:4,915,600, G>A. VCF-style: chr12-4915600-G-A. GRCh37 (hg19) VCF-style: chr12-5024766-G-A.
Identifiers: ClinVar variation 880831 (VCV000880831.4), dbSNP rs115244229, ClinGen allele CA231858043.

ClinVar aggregate classification (germline): Benign (1 of 4 stars; one submission).

Conditions:
Episodic ataxia type 1 (EA1). Also called: Episodic ataxia/myokymia syndrome; ATAXIA, EPISODIC, WITH MYOKYMIA; MYOKYMIA WITH PERIODIC ATAXIA; PAROXYSMAL ATAXIA WITH NEUROMYOTONIA, HEREDITARY. Identifiers: Orphanet 37612, Orphanet 972, MedGen C1719788, MONDO:0008047, OMIM 160120.

Allele frequency attached by ClinVar (database versions not stated): TOPMed 0.00146; 1000 Genomes Project 0.00260; 1000 Genomes Project 30x 0.00328.
gnomAD v4.1: 239 of 167,158 alleles (0.14%); highest among the groups gnomAD compares: African/African-American, 0.51%; no homozygotes.

Submission:

Illumina Laboratory Services, Illumina
Classification: Benign for Episodic ataxia type 1. Last evaluated: 2018-01-12. Review status: criteria provided, single submitter. Criteria: ICSL Variant Classification Criteria 13 December 2019. Collection method: clinical testing. Allele origin: germline.
Comment: This variant was observed in the ICSL laboratory as part of a predisposition screen in an ostensibly healthy population. It had not been previously curated by ICSL or reported in the Human Gene Mutation Database (HGMD: prior to June 1st, 2018), and was therefore a candidate for classification through an automated scoring system. Utilizing variant allele frequency, disease prevalence and penetrance estimates, and inheritance mode, an automated score was calculated to assess if this variant is too frequent to cause the disease. Based on the score and internal cut-off values, a variant classified as benign is not then subjected to further curation. The score for this variant resulted in a classification of benign for this disease.